The following is an entry in ClinVar:

NM_016169.4(SUFU):c.1104C>G (p.Ser368Arg)

Gene: SUFU (SUFU negative regulator of hedgehog signaling; plus strand). Cytogenetic location: 10q24.32.
Variant type: single nucleotide variant.
Coding change: c.1104C>G on transcript NM_016169.4 (MANE Select); coding-DNA position 1104, C replaced by G.
Protein change: p.Ser368Arg; replaces serine 368 with arginine.
Molecular consequence: missense variant.
Genome position (GRCh38, 1-based): chr10:102,615,349, C>G. VCF-style: chr10-102615349-C-G. GRCh37 (hg19) VCF-style: chr10-104375106-C-G.
Other names: c.1104C>G, p.Ser368Arg (NM_001178133.2); c.1104C>G (NM_016169.3); short protein forms S368R.
Identifiers: ClinVar variation 1025380 (VCV001025380.9), dbSNP rs746580970, ClinGen allele CA5667870.
Genomic context (GRCh38, chr10:102,615,349, plus strand): 5'-AAGTGACAGCTCCACGGCCATCATTCCCCATGAGCTGATTCGCACGCGGCAGCTTGAGAG[C>G]GTACATCTGAAATTCAACCAGGAGTCCGGAGCCCTCATTCCTCTCTGCCTAAGGTGAGCG-3'
Protein context (NP_057253.2, residues 358-378): HELIRTRQLE[Ser368Arg]VHLKFNQESG

ClinVar aggregate classification (germline): Uncertain significance. Review status: criteria provided, multiple submitters, no conflicts (2 of 4 stars). 2 submissions from 2 submitters: Uncertain significance (2). Last evaluated 2024-11-02.

Conditions:
Medulloblastoma (MDB). Also called: Medulloblastoma, somatic; MEDULLOBLASTOMA PREDISPOSITION SYNDROME. Identifiers: Orphanet 616, MedGen C0025149, MeSH D008527, MONDO:0007959, OMIM 155255, HP:0002885.
Gorlin syndrome. Also called: Nevoid Basal Cell Carcinoma Syndrome; Basal cell nevus syndrome. Identifiers: Orphanet 377, MedGen C0004779, MONDO:0007187.
Hereditary cancer-predisposing syndrome. Also called: Hereditary neoplastic syndrome; Neoplastic Syndromes, Hereditary; Tumor predisposition; Hereditary Cancer Syndrome. Identifiers: Orphanet 140162, MedGen C0027672, MeSH D009386, MONDO:0015356.

gnomAD v4.1: 5 of 1,614,128 alleles (0.00031%); highest among the groups gnomAD compares: Non-Finnish European, 0.00042%; no homozygotes.

Submissions (2):

Ambry Genetics
Classification: Uncertain significance for Hereditary cancer-predisposing syndrome. Last evaluated: 2024-11-02. Review status: criteria provided, single submitter. Criteria: Ambry Variant Classification Scheme 2023. Collection method: clinical testing. Allele origin: germline.
Comment: The p.S368R variant (also known as c.1104C>G), located in coding exon 9 of the SUFU gene, results from a C to G substitution at nucleotide position 1104. The serine at codon 368 is replaced by arginine, an amino acid with dissimilar properties. This amino acid position is conserved. In addition, this alteration is predicted to be tolerated by in silico analysis. Based on the available evidence, the clinical significance of this variant remains unclear.

Labcorp Genetics (formerly Invitae), Labcorp
Classification: Uncertain significance for Gorlin syndrome; Medulloblastoma. Last evaluated: 2024-06-04. Review status: criteria provided, single submitter. Criteria: Invitae Variant Classification Sherloc (09022015). Collection method: clinical testing. Allele origin: germline.
Comment: This sequence change replaces serine, which is neutral and polar, with arginine, which is basic and polar, at codon 368 of the SUFU protein (p.Ser368Arg). This variant is present in population databases (rs746580970, gnomAD 0.0009%). This variant has not been reported in the literature in individuals affected with SUFU-related conditions. ClinVar contains an entry for this variant (Variation ID: 1025380). Advanced modeling of protein sequence and biophysical properties (such as structural, functional, and spatial information, amino acid conservation, physicochemical variation, residue mobility, and thermodynamic stability) performed at Invitae indicates that this missense variant is not expected to disrupt SUFU protein function with a negative predictive value of 80%. In summary, the available evidence is currently insufficient to determine the role of this variant in disease. Therefore, it has been classified as a Variant of Uncertain Significance.